The following is an entry in ClinVar:

NM_001005242.3(PKP2):c.292G>A (p.Val98Ile)

Gene: PKP2 (plakophilin 2; minus strand). Cytogenetic location: 12p11.21.
Variant type: single nucleotide variant.
Coding change: c.292G>A on transcript NM_001005242.3 (MANE Select); coding-DNA position 292, G replaced by A.
Protein change: p.Val98Ile; replaces valine 98 with isoleucine.
Molecular consequence: missense variant. On other transcripts: 5 prime UTR variant (4).
Genome position (GRCh38, 1-based): chr12:32,878,964, C>T on the plus strand (G>A on the coding strand, the complement: PKP2 is on the minus strand). VCF-style: chr12-32878964-C-T. GRCh37 (hg19) VCF-style: chr12-33031898-C-T.
Other names: c.292G>A, p.Val98Ile (NM_001407155.1, NM_001407156.1, NM_001407157.1 and 2 more transcripts); c.-36G>A (NM_001407158.1, NM_001407159.1, NM_001407160.1 and 1 more transcripts); short protein forms V98I.
Identifiers: ClinVar variation 2497354 (VCV002497354.2), dbSNP rs1383641129, ClinGen allele CA384366542.
Genomic context (GRCh38, chr12:32,878,964, plus strand): 5'-TTCTTTGATATCCTACCTTTAGCATGTCATAGGTTTTAGGAACAGGGGAACGGCCTCCAA[C>T]AAAATCATTTTCAACCAAGTGTAGGTTGTAGACATACTCAGGAACACTGCTGGTTCGGTG-3'
Protein context (NP_001005242.2, residues 88-108): YNLHLVENDF[Val98Ile]GGRSPVPKTY

ClinVar aggregate classification (germline): Uncertain significance (1 of 4 stars; one submission).

Conditions:
Cardiovascular phenotype. Identifiers: MedGen CN230736.

Allele frequency attached by ClinVar (database versions not stated): gnomAD exomes below 0.00001.

Submission:

Ambry Genetics
Classification: Uncertain significance for Cardiovascular phenotype. Last evaluated: 2023-02-12. Review status: criteria provided, single submitter. Criteria: Ambry Variant Classification Scheme 2023. Collection method: clinical testing. Allele origin: germline.
Comment: The p.V98I variant (also known as c.292G>A), located in coding exon 2 of the PKP2 gene, results from a G to A substitution at nucleotide position 292. The valine at codon 98 is replaced by isoleucine, an amino acid with highly similar properties. This amino acid position is conserved. In addition, this alteration is predicted to be tolerated by in silico analysis. Since supporting evidence is limited at this time, the clinical significance of this alteration remains unclear.